The following is an entry in ClinVar:

ClinVar aggregate classification (germline): Pathogenic. Review status: criteria provided, multiple submitters, no conflicts (2 of 4 stars). 2 submissions from 2 submitters: Pathogenic (2). Last evaluated 2025-12-24.

Conditions:
Inborn genetic diseases. Identifiers: MedGen C0950123, MeSH D030342.
Giant axonal neuropathy 1 (GAN1). Also called: GIANT AXONAL NEUROPATHY 1, AUTOSOMAL RECESSIVE; GAN-Related Neurodegeneration. Identifiers: Orphanet 643, MedGen C1850386, MONDO:0009749, OMIM 256850.

Submissions (2):

Women's Health and Genetics/Laboratory Corporation of America, LabCorp
Classification: Pathogenic for Giant axonal neuropathy 1. Last evaluated: 2025-12-24. Review status: criteria provided, single submitter. Criteria: LabCorp Variant Classification Summary - May 2015. Collection method: clinical testing. Allele origin: germline.
Comment: Variant summary: GAN c.1112_1124delinsGA (p.Glu371GlyfsX11) results in a premature termination codon, predicted to cause a truncation of the encoded protein or absence of the protein due to nonsense mediated decay, which are commonly known mechanisms for disease. The variant was absent in 251418 control chromosomes. To our knowledge, no occurrence of c.1112_1124delinsGA in individuals affected with GAN-related conditions and no experimental evidence demonstrating its impact on protein function have been reported. ClinVar contains an entry for this variant (Variation ID: 1795359). Based on the evidence outlined above, the variant was classified as pathogenic.

Ambry Genetics
Classification: Pathogenic for Inborn genetic diseases. Last evaluated: 2019-12-18. Review status: criteria provided, single submitter. Criteria: Ambry Variant Classification Scheme 2023. Collection method: clinical testing. Allele origin: germline.
Comment: The c.1112_1124del13insGA pathogenic mutation, located in coding exon 7 of the GAN gene, results from the deletion of 13 nucleotides and insertion of two nucleotides causing a translational frameshift with a predicted alternate stop codon (p.E371Gfs*11). This alteration is expected to result in loss of function by premature protein truncation or nonsense-mediated mRNA decay. As such, this alteration is interpreted as a disease-causing mutation.

NM_022041.4(GAN):c.1112_1124delinsGA (p.Glu371fs)

Gene: GAN (gigaxonin; plus strand). Cytogenetic location: 16q23.2.
Variant type: Indel.
Coding change: c.1112_1124delinsGA on transcript NM_022041.4 (MANE Select); coding-DNA positions 1112 to 1124, AGATAGATGGGAT replaced by GA.
Protein change: p.Glu371fs; shifts the reading frame from glutamic acid 371.
Molecular consequence: frameshift variant.
Genome position (GRCh38, 1-based): chr16:81,363,819-81,363,831, AGATAGATGGGAT replaced by GA. VCF-style: chr16-81363819-AGATAGATGGGAT-GA. GRCh37 (hg19) VCF-style: chr16-81397424-AGATAGATGGGAT-GA.
Other names: c.473_485delinsGA, p.Glu158fs (NM_001377486.1); c.1112_1124del13insGA (NM_022041.3); short protein forms E371fs, E158fs.
Identifiers: ClinVar variation 1795359 (VCV001795359.3), dbSNP rs2507746889, ClinGen allele CA2580092147.
Genomic context (GRCh38, chr16:81,363,819, plus strand): 5'-CCTTGTGTGTTCAGGGATCGCTAATGTAATTTCAGGCAAGACATAACTTCGGAATTGTGG[AGATAGATGGGAT>GA]GCTGTACATTTTGGGAGGAGAGGATGGTGAAAAGGAGCTGATTTCCATGGAGTGTTACGA-3'